The following is an entry in ClinVar:

ClinVar aggregate classification (germline): Pathogenic (1 of 4 stars; one submission).

Conditions:
Duchenne muscular dystrophy (DMD). Also called: MUSCULAR DYSTROPHY, PSEUDOHYPERTROPHIC PROGRESSIVE, DUCHENNE TYPE; Duchenne Muscular Dystrophy (DMD). Identifiers: Orphanet 98896, MedGen C0013264, MONDO:0010679, OMIM 310200.

Submission:

Labcorp Genetics (formerly Invitae), Labcorp
Classification: Pathogenic for Duchenne muscular dystrophy. Last evaluated: 2019-12-26. Review status: criteria provided, single submitter. Criteria: Invitae Variant Classification Sherloc (09022015). Collection method: clinical testing. Allele origin: germline.
Comment: This variant is an in-frame deletion of the genomic region encompassing exons 45-55 of the DMD gene. It preserves the integrity of the reading frame. This variant has been reported in several individuals affected with Duchenne or Becker muscular dystrophy (PMID: 22090376, 11257468, 26911353, 18752307, 20683981, 16030524) and in individuals affected with dilated cardiomyopathy (PMID: 18261911). For these reasons, this variant has been classified as Pathogenic.

Literature cited by the submitters: PubMed 20683981; PubMed 18261911; PubMed 26911353; PubMed 22090376; PubMed 18752307; PubMed 16030524; PubMed 11257468.

NC_000023.11:g.(?_31609621)_(31968524_?)del

Genes: DMD (dystrophin; minus strand), LOC129391296 (MPRA-validated peak7373 silencer; plus strand). Cytogenetic location: Xp21.1.
Variant type: Deletion.
Identifiers: ClinVar variation 654681 (VCV000654681.2).